The following is an entry in ClinVar:

ClinVar aggregate classification (germline): Uncertain significance. Review status: criteria provided, multiple submitters, no conflicts (2 of 4 stars). 2 submissions from 2 submitters: Uncertain significance (2). Last evaluated 2024-07-09.

Conditions:
Hereditary cancer-predisposing syndrome. Also called: Neoplastic Syndromes, Hereditary; Hereditary Cancer Syndrome; Hereditary neoplastic syndrome; Tumor predisposition. Identifiers: Orphanet 140162, MedGen C0027672, MeSH D009386, MONDO:0015356.

Submissions (2):

Color Diagnostics, LLC DBA Color Health
Classification: Uncertain significance for Hereditary cancer-predisposing syndrome. Last evaluated: 2024-07-09. Review status: criteria provided, single submitter. Criteria: ACMG Guidelines, 2015. Collection method: clinical testing. Allele origin: germline.
Comment: This variant causes an in-frame deletion of 4 amino acids in the BRCA2 protein. To our knowledge, functional studies have not been reported for this variant. This variant has not been reported in individuals affected with BRCA2-related disorders in the literature. This variant has not been identified in the general population by the Genome Aggregation Database (gnomAD). The available evidence is insufficient to determine the role of this variant in disease conclusively. Therefore, this variant is classified as a Variant of Uncertain Significance.

Ambry Genetics
Classification: Uncertain significance for Hereditary cancer-predisposing syndrome. Last evaluated: 2023-06-07. Review status: criteria provided, single submitter. Criteria: Ambry Variant Classification Scheme 2023. Collection method: clinical testing. Allele origin: germline.
Comment: The c.4659_4670del12 variant (also known as p.E1555_S1558del) is located in coding exon 10 of the BRCA2 gene. This variant results from an in-frame TAGTGAAATCAC deletion at nucleotide positions 4659 to 4670. This results in the in-frame deletion of a glutamic acid, isoleucine, threonine and serine at codons 1555 to 1558. This amino acid region is not well conserved in available vertebrate species. In addition, this alteration is predicted to be deleterious by in silico analysis (Choi Y et al. PLoS ONE. 2012; 7(10):e46688). Since supporting evidence is limited at this time, the clinical significance of this alteration remains unclear.

NM_000059.4(BRCA2):c.4659_4670del (p.Glu1555_Ser1558del)

Gene: BRCA2 (BRCA2 DNA repair associated; plus strand). Cytogenetic location: 13q13.1.
Variant type: Deletion.
Coding change: c.4659_4670del on transcript NM_000059.4 (MANE Select); coding-DNA positions 4659 to 4670, 12 bases deleted (TAGTGAAATCAC).
Protein change: p.Glu1555_Ser1558del.
Molecular consequence: inframe deletion. On other transcripts: non-coding transcript variant (1), intron variant (2), inframe indel (1).
Genome position (GRCh38, 1-based): chr13:32,339,014-32,339,025, TAGTGAAATCAC deleted; deleting any 12 consecutive bases within chr13:32,339,012-32,339,025 gives the same sequence; the c. name uses the placement nearest the transcript's 3' end. VCF-style (leftmost placement, unchanged base first): chr13-32339011-TACTAGTGAAATC-T. GRCh37 (hg19) VCF-style: chr13-32913148-TACTAGTGAAATC-T.
Other names: c.4659_4670del, p.Glu1555_Ser1558del (NM_001406719.1, NM_001406720.1); c.1910-5544_1910-5533del (NM_001406721.1); c.425-5544_425-5533del (NM_001406722.1); c.4659_4670del12 (NM_000059.3).
Identifiers: ClinVar variation 2566044 (VCV002566044.3), dbSNP rs2548528993, ClinGen allele CA2580614686.